The following is an entry in ClinVar:

ClinVar aggregate classification (germline): Uncertain significance. Review status: criteria provided, multiple submitters, no conflicts (2 of 4 stars). 3 submissions from 3 submitters: Uncertain significance (3). Last evaluated 2025-06-27.

Conditions:
Congenital myopathy with fiber type disproportion. Also called: Congenital fiber-type disproportion myopathy; Congenital fiber-type disproportion. Identifiers: Orphanet 2020, MedGen C0546264, MONDO:0009711. Inheritance: all.
RYR1-related disorder. Also called: RYR1-related disorders; RYR1-related condition. Identifiers: MedGen CN239331.

Allele frequency attached by ClinVar (database versions not stated): ExAC 0.00001; gnomAD 0.00001; gnomAD exomes 0.00001; TOPMed 0.00001.
gnomAD v4.1: 19 of 1,613,834 alleles (0.0012%); highest among the groups gnomAD compares: Non-Finnish European, 0.0016%; no homozygotes.

Submissions (3):

Revvity Omics, Revvity
Classification: Uncertain significance. Last evaluated: 2025-06-27. Review status: criteria provided, single submitter. Criteria: ACMG Guidelines, 2015. Collection method: clinical testing. Allele origin: germline.

Labcorp Genetics (formerly Invitae), Labcorp
Classification: Uncertain significance for RYR1-related disorder. Last evaluated: 2024-03-16. Review status: criteria provided, single submitter. Criteria: Invitae Variant Classification Sherloc (09022015). Collection method: clinical testing. Allele origin: germline.
Comment: This sequence change replaces serine, which is neutral and polar, with phenylalanine, which is neutral and non-polar, at codon 2000 of the RYR1 protein (p.Ser2000Phe). This variant is present in population databases (rs750324313, gnomAD 0.004%). This variant has not been reported in the literature in individuals affected with RYR1-related conditions. ClinVar contains an entry for this variant (Variation ID: 931243). Advanced modeling of protein sequence and biophysical properties (such as structural, functional, and spatial information, amino acid conservation, physicochemical variation, residue mobility, and thermodynamic stability) has been performed at Invitae for this missense variant, however the output from this modeling did not meet the statistical confidence thresholds required to predict the impact of this variant on RYR1 protein function. In summary, the available evidence is currently insufficient to determine the role of this variant in disease. Therefore, it has been classified as a Variant of Uncertain Significance.

Centre for Mendelian Genomics, University Medical Centre Ljubljana
Classification: Uncertain significance for Congenital myopathy 4A, autosomal dominant. Last evaluated: 2019-02-28. Review status: criteria provided, single submitter. Criteria: ACMG Guidelines, 2015. Collection method: clinical testing. Allele origin: unknown. Affected: yes.
Comment: This variant was classified as: Uncertain significance. The available evidence on this variant's pathogenicity is insufficient or conflicting. The following ACMG criteria were applied in classifying this variant: PP3.

NM_000540.3(RYR1):c.5999C>T (p.Ser2000Phe)

Gene: RYR1 (ryanodine receptor 1; plus strand). Cytogenetic location: 19q13.2.
Variant type: single nucleotide variant.
Coding change: c.5999C>T on transcript NM_000540.3 (MANE Select); coding-DNA position 5999, C replaced by T.
Protein change: p.Ser2000Phe; replaces serine 2000 with phenylalanine.
Molecular consequence: missense variant.
Genome position (GRCh38, 1-based): chr19:38,490,260, C>T. VCF-style: chr19-38490260-C-T. GRCh37 (hg19) VCF-style: chr19-38980900-C-T.
Other names: c.5999C>T, p.Ser2000Phe (NM_001042723.2); short protein forms S2000F.
Identifiers: ClinVar variation 931243 (VCV000931243.8), dbSNP rs750324313, ClinGen allele CA067611.